The following is an entry in ClinVar:

NM_000553.6(WRN):c.3854T>A (p.Met1285Lys)

Gene: WRN (WRN RecQ like helicase; plus strand). Cytogenetic location: 8p12.
Variant type: single nucleotide variant.
Coding change: c.3854T>A on transcript NM_000553.6 (MANE Select); coding-DNA position 3854, T replaced by A.
Protein change: p.Met1285Lys; replaces methionine 1285 with lysine.
Molecular consequence: missense variant.
Genome position (GRCh38, 1-based): chr8:31,157,402, T>A. VCF-style: chr8-31157402-T-A. GRCh37 (hg19) VCF-style: chr8-31014918-T-A.
Other names: short protein forms M1285K.
Identifiers: ClinVar variation 2196227 (VCV002196227.4), dbSNP rs371799306, ClinGen allele CA370929345.
Genomic context (GRCh38, chr8:31,157,402, plus strand): 5'-TGGGTTCTTTGCTGATCTTTCTCTAGAAGAGCATAGCTGAGAGCAGGATTCTGCCTCTCA[T>A]GACAATTGGCATGCACTTATCCCAAGCGGTGAAAGCTGGCTGCCCCCTTGATTTGGAGCG-3'
Protein context (NP_000544.2, residues 1275-1295): SIAESRILPL[Met1285Lys]TIGMHLSQAV

ClinVar aggregate classification (germline): Uncertain significance (1 of 4 stars; one submission).

Conditions:
Werner syndrome (WRN). Identifiers: Orphanet 902, MedGen C0043119, MONDO:0010196, OMIM 277700.

Submission:

Labcorp Genetics (formerly Invitae), Labcorp
Classification: Uncertain significance for Werner syndrome. Last evaluated: 2022-01-27. Review status: criteria provided, single submitter. Criteria: Invitae Variant Classification Sherloc (09022015). Collection method: clinical testing. Allele origin: germline.
Comment: This sequence change replaces methionine, which is neutral and non-polar, with lysine, which is basic and polar, at codon 1285 of the WRN protein (p.Met1285Lys). In summary, the available evidence is currently insufficient to determine the role of this variant in disease. Therefore, it has been classified as a Variant of Uncertain Significance. Algorithms developed to predict the effect of missense changes on protein structure and function are either unavailable or do not agree on the potential impact of this missense change (SIFT: "Not Available"; PolyPhen-2: "Benign"; Align-GVGD: "Not Available"). This variant has not been reported in the literature in individuals affected with WRN-related conditions. This variant is not present in population databases (gnomAD no frequency).